The following is an entry in ClinVar:

NM_000388.4(CASR):c.1232A>G (p.Tyr411Cys)

Gene: CASR (calcium sensing receptor; plus strand). Cytogenetic location: 3q21.1.
Variant type: single nucleotide variant.
Coding change: c.1232A>G on transcript NM_000388.4 (MANE Select); coding-DNA position 1232, A replaced by G.
Protein change: p.Tyr411Cys; replaces tyrosine 411 with cysteine.
Molecular consequence: missense variant.
Genome position (GRCh38, 1-based): chr3:122,262,267, A>G. VCF-style: chr3-122262267-A-G. GRCh37 (hg19) VCF-style: chr3-121981114-A-G.
Other names: c.1232A>G, p.Tyr411Cys (NM_001178065.2); short protein forms Y411C.
Identifiers: ClinVar variation 2932271 (VCV002932271.3), dbSNP rs2473228664, ClinGen allele CA354152877.

ClinVar aggregate classification (germline): Uncertain significance (1 of 4 stars; one submission).

Conditions:
Autosomal dominant hypocalcemia 1 (HYPOC1). Also called: HYPOCALCEMIA, FAMILIAL. Identifiers: MedGen C3715128, MONDO:0011013, OMIM 601198.
Familial hypocalciuric hypercalcemia (FHH). Also called: Familial benign hypercalcemia. Identifiers: Orphanet 405, MedGen C1809471, MONDO:0018458.

Submission:

Labcorp Genetics (formerly Invitae), Labcorp
Classification: Uncertain significance for Familial hypocalciuric hypercalcemia; Autosomal dominant hypocalcemia 1. Last evaluated: 2024-04-30. Review status: criteria provided, single submitter. Criteria: Invitae Variant Classification Sherloc (09022015). Collection method: clinical testing. Allele origin: germline.
Comment: This sequence change replaces tyrosine, which is neutral and polar, with cysteine, which is neutral and slightly polar, at codon 411 of the CASR protein (p.Tyr411Cys). This variant is not present in population databases (gnomAD no frequency). This variant has not been reported in the literature in individuals affected with CASR-related conditions. An algorithm developed to predict the effect of missense changes on protein structure and function (PolyPhen-2) suggests that this variant is likely to be disruptive. In summary, the available evidence is currently insufficient to determine the role of this variant in disease. Therefore, it has been classified as a Variant of Uncertain Significance.